The following is an entry in ClinVar:

ClinVar aggregate classification (germline): Uncertain significance (1 of 4 stars; one submission).

Conditions:
Autosomal recessive limb-girdle muscular dystrophy type 2D (LGMDR3). Also called: ADHALINOPATHY, PRIMARY; DUCHENNE-LIKE AUTOSOMAL RECESSIVE MUSCULAR DYSTROPHY, TYPE 2; MUSCULAR DYSTROPHY, LIMB-GIRDLE, AUTOSOMAL RECESSIVE 3. Identifiers: Orphanet 62, MedGen C2936332, MONDO:0011968, OMIM 608099. Disease mechanism: Affects gamma-sarcoglycan and also disrupts the integrity of the entire sarcoglycan complex..

Allele frequency attached by ClinVar (database versions not stated): gnomAD exomes below 0.00001; gnomAD 0.00001.
gnomAD v4.1: 5 of 1,613,090 alleles (0.00031%); highest among the groups gnomAD compares: Non-Finnish European, 0.00042%; no homozygotes.

Submission:

Labcorp Genetics (formerly Invitae), Labcorp
Classification: Uncertain significance for Autosomal recessive limb-girdle muscular dystrophy type 2D. Last evaluated: 2021-08-28. Review status: criteria provided, single submitter. Criteria: Invitae Variant Classification Sherloc (09022015). Collection method: clinical testing. Allele origin: germline.
Comment: This sequence change replaces glutamine with arginine at codon 379 of the SGCA protein (p.Gln379Arg). The glutamine residue is weakly conserved and there is a small physicochemical difference between glutamine and arginine. This variant is not present in population databases (ExAC no frequency). This variant has not been reported in the literature in individuals affected with SGCA-related conditions. Advanced modeling of protein sequence and biophysical properties (such as structural, functional, and spatial information, amino acid conservation, physicochemical variation, residue mobility, and thermodynamic stability) performed at Invitae indicates that this missense variant is not expected to disrupt SGCA protein function. In summary, the available evidence is currently insufficient to determine the role of this variant in disease. Therefore, it has been classified as a Variant of Uncertain Significance.

NM_000023.4(SGCA):c.1136A>G (p.Gln379Arg)

Gene: SGCA (sarcoglycan alpha; plus strand). Cytogenetic location: 17q21.33.
Variant type: single nucleotide variant.
Coding change: c.1136A>G on transcript NM_000023.4 (MANE Select); coding-DNA position 1136, A replaced by G.
Protein change: p.Gln379Arg; replaces glutamine 379 with arginine.
Molecular consequence: missense variant. On other transcripts: non-coding transcript variant (1).
Genome position (GRCh38, 1-based): chr17:50,175,409, A>G. VCF-style: chr17-50175409-A-G. GRCh37 (hg19) VCF-style: chr17-48252770-A-G.
Other names: c.764A>G, p.Gln255Arg (NM_001135697.3); short protein forms Q379R, Q255R.
Identifiers: ClinVar variation 1359447 (VCV001359447.5), dbSNP rs930871528, ClinGen allele CA291538909.